The following is an entry in ClinVar:

ClinVar aggregate classification (germline): Uncertain significance (1 of 4 stars; one submission).

Conditions:
Inborn genetic diseases. Identifiers: MedGen C0950123, MeSH D030342.

Submission:

Ambry Genetics
Classification: Uncertain significance for Inborn genetic diseases. Last evaluated: 2026-08-22. Review status: criteria provided, single submitter. Criteria: Ambry Variant Classification Scheme 2023. Collection method: clinical testing. Allele origin: germline.
Comment: The p.G1466W variant (also known as c.4396G>T), located in coding exon 1 of the SAMD9 gene, results from a G to T substitution at nucleotide position 4396. The glycine at codon 1466 is replaced by tryptophan, an amino acid with highly dissimilar properties. This amino acid position is conserved. In addition, this alteration is predicted to be tolerated by in silico analysis. Based on the available evidence, the clinical significance of this variant remains unclear.

NM_017654.4(SAMD9):c.4396G>T (p.Gly1466Trp)

Gene: SAMD9 (sterile alpha motif domain containing 9; minus strand). Cytogenetic location: 7q21.2.
Variant type: single nucleotide variant.
Coding change: c.4396G>T on transcript NM_017654.4 (MANE Select); coding-DNA position 4396, G replaced by T.
Protein change: p.Gly1466Trp; replaces glycine 1466 with tryptophan.
Molecular consequence: missense variant.
Genome position (GRCh38, 1-based): chr7:93,101,702, C>A on the plus strand (G>T on the coding strand, the complement: SAMD9 is on the minus strand). VCF-style: chr7-93101702-C-A. GRCh37 (hg19) VCF-style: chr7-92731015-C-A.
Other names: c.4396G>T, p.Gly1466Trp (NM_001193307.2); short protein forms G1466W.
Identifiers: ClinVar variation 5028798 (VCV005028798.1).